The following is an entry in ClinVar:

ClinVar aggregate classification (germline): Likely pathogenic (0 of 4 stars; one submission).

Conditions:
Hereditary factor VIII deficiency disease (HEMA). Also called: AUTOSOMAL HEMOPHILIA A; Hemophilia A, congenital; HEM A; Factor 8 deficiency, congenital; HEMOPHILIA, CLASSIC; Hemophilia A. Identifiers: Orphanet 98878, MedGen C0019069, MONDO:0010602, OMIM 306700.

Submission:

Angelo Bianchi Bonomi Hemophilia and Thrombosis Center, Fondazione IRCCS Ca Granda Ospedale Maggiore Policlinico
Classification: Likely pathogenic for Hereditary factor VIII deficiency disease. Last evaluated: 2019-06-01. Review status: no assertion criteria provided. Collection method: clinical testing. Allele origin: germline. Affected: yes. Observed: 2 variant alleles.
Comment: analyzed by CADD

NM_000132.4(F8):c.4024G>T (p.Glu1342Ter)

Gene: F8 (coagulation factor VIII; minus strand). Cytogenetic location: Xq28.
Variant type: single nucleotide variant.
Coding change: c.4024G>T on transcript NM_000132.4 (MANE Select); coding-DNA position 4024, G replaced by T.
Protein change: p.Glu1342Ter; replaces glutamic acid 1342 with a stop codon.
Molecular consequence: nonsense.
Genome position (GRCh38, 1-based): chrX:154,929,766, C>A on the plus strand (G>T on the coding strand, the complement: F8 is on the minus strand). VCF-style: chrX-154929766-C-A. GRCh37 (hg19) VCF-style: chrX-154158041-C-A.
Other names: short protein forms E1342*.
Identifiers: ClinVar variation 973808 (VCV000973808.2), dbSNP rs2073182544, ClinGen allele CA414892854.